The following is an entry in ClinVar:

NM_001567.4(INPPL1):c.915G>C (p.Lys305Asn)

Gene: INPPL1 (inositol polyphosphate phosphatase like 1; plus strand). Cytogenetic location: 11q13.4.
Variant type: single nucleotide variant.
Coding change: c.915G>C on transcript NM_001567.4 (MANE Select); coding-DNA position 915, G replaced by C.
Protein change: p.Lys305Asn; replaces lysine 305 with asparagine.
Molecular consequence: missense variant.
Genome position (GRCh38, 1-based): chr11:72,229,995, G>C. VCF-style: chr11-72229995-G-C. GRCh37 (hg19) VCF-style: chr11-71941039-G-C.
Other names: c.915G>C (NM_001567.3); short protein forms K305N.
Identifiers: ClinVar variation 1373196 (VCV001373196.7), dbSNP rs370029165, ClinGen allele CA6169833.

ClinVar aggregate classification (germline): Uncertain significance. Review status: criteria provided, multiple submitters, no conflicts (2 of 4 stars). 3 submissions from 3 submitters: Uncertain significance (3). Last evaluated 2025-08-13.

Conditions:
Opsismodysplasia (OPSMD). Also called: INPPL1-Related Opsismodysplasia. Identifiers: Orphanet 2746, MedGen C0432219, MONDO:0009785, OMIM 258480.
Inborn genetic diseases. Identifiers: MedGen C0950123, MeSH D030342.

Allele frequency attached by ClinVar (database versions not stated): ESP Exome Variant Server 0.00031; gnomAD 0.00007; gnomAD exomes 0.00007 and 0.00015; ExAC 0.00008; TOPMed 0.00011.
gnomAD v4.1: 237 of 1,614,110 alleles (0.015%); highest among the groups gnomAD compares: Non-Finnish European, 0.018%; no homozygotes.

Submissions (3):

Ambry Genetics
Classification: Uncertain significance for Inborn genetic diseases. Last evaluated: 2025-08-13. Review status: criteria provided, single submitter. Criteria: Ambry Variant Classification Scheme 2023. Collection method: clinical testing. Allele origin: germline.

Labcorp Genetics (formerly Invitae), Labcorp
Classification: Uncertain significance. Last evaluated: 2025-01-27. Review status: criteria provided, single submitter. Criteria: Invitae Variant Classification Sherloc (09022015). Collection method: clinical testing. Allele origin: germline.
Comment: This sequence change replaces lysine, which is basic and polar, with asparagine, which is neutral and polar, at codon 305 of the INPPL1 protein (p.Lys305Asn). This variant is present in population databases (rs370029165, gnomAD 0.01%). This variant has not been reported in the literature in individuals affected with INPPL1-related conditions. ClinVar contains an entry for this variant (Variation ID: 1373196). An algorithm developed to predict the effect of missense changes on protein structure and function (PolyPhen-2) suggests that this variant is likely to be disruptive. In summary, the available evidence is currently insufficient to determine the role of this variant in disease. Therefore, it has been classified as a Variant of Uncertain Significance.

ARUP Laboratories, Molecular Genetics and Genomics, ARUP Laboratories
Classification: Uncertain significance for Opsismodysplasia. Last evaluated: 2024-07-16. Review status: criteria provided, single submitter. Criteria: ARUP Molecular Germline Variant Investigation Process 2024. Collection method: clinical testing. Allele origin: germline.
Comment: The INPPL1 c.915G>C; p.Lys305Asn variant (rs370029165), to our knowledge, is not reported in the medical literature or gene specific databases. This variant is found in the non-Finnish European population with an allele frequency of 0.01% (15/129,018 alleles) in the Genome Aggregation Database (v2.1.1). Computational analyses are uncertain whether this variant is neutral or deleterious (REVEL: 0.329). Due to limited information, the clinical significance of this variant is uncertain at this time.